The following is an entry in ClinVar:

ClinVar aggregate classification (germline): Likely benign (1 of 4 stars; one submission).

Conditions:
Familial intrahepatic cholestasis. Identifiers: Orphanet 284385, MedGen CN296401, MONDO:0017290.

gnomAD v4.1: 38 of 1,608,034 alleles (0.0024%); highest among the groups gnomAD compares: Non-Finnish European, 0.0031%; no homozygotes.

Submission:

Genomenon, Inc
Classification: Likely benign for Familial intrahepatic cholestasis. Last evaluated: 2026-04-14. Review status: criteria provided, single submitter. Criteria: Genomenon Sequence Variant Interpretation Standards - Updated. Collection method: curation. Allele origin: germline. Affected: no.
Comment: ATP8B1 c.2707+43G>A is an intronic variant located in intron 22. This variant has been reported in the published literature (PMID:24260417). It is absent or not present at a significant frequency in gnomAD. This intronic variant is not predicted to impact splicing. In conclusion, we classify ATP8B1 c.2707+43G>A as a likely benign variant.

Literature cited by the submitters: PubMed 24260417.

NM_001374385.1(ATP8B1):c.2707+43G>A

Genes: ATP8B1 (ATPase phospholipid transporting 8B1; minus strand), ATP8B1-AS1 (ATP8B1 antisense RNA 1; plus strand). Cytogenetic location: 18q21.31.
Variant type: single nucleotide variant.
Coding change: c.2707+43G>A on transcript NM_001374385.1 (MANE Select); 43 bases into the intron after coding-DNA position 2707, G replaced by A.
Molecular consequence: intron variant.
Genome position (GRCh38, 1-based): chr18:57,661,131, C>T on the plus strand (G>A on the coding strand, the complement: ATP8B1 is on the minus strand). VCF-style: chr18-57661131-C-T. GRCh37 (hg19) VCF-style: chr18-55328363-C-T.
Other names: c.2707+43G>A (NM_005603.6); c.2557+43G>A (NM_001374386.1).
Identifiers: ClinVar variation 4846339 (VCV004846339.1).